The following is an entry in ClinVar:

NM_024656.4(COLGALT1):c.20C>G (p.Ala7Gly)

Genes: COLGALT1 (collagen beta(1-O)galactosyltransferase 1; plus strand), LOC130063952 (ATAC-STARR-seq lymphoblastoid silent region 10355; plus strand). Cytogenetic location: 19p13.11.
Variant type: single nucleotide variant.
Coding change: c.20C>G on transcript NM_024656.4 (MANE Select); coding-DNA position 20, C replaced by G.
Protein change: p.Ala7Gly; replaces alanine 7 with glycine.
Molecular consequence: missense variant.
Genome position (GRCh38, 1-based): chr19:17,555,733, C>G. VCF-style: chr19-17555733-C-G. GRCh37 (hg19) VCF-style: chr19-17666542-C-G.
Other names: short protein forms A7G.
Identifiers: ClinVar variation 1993296 (VCV001993296.4), dbSNP rs1449330996, ClinGen allele CA404691263.
Genomic context (GRCh38, chr19:17,555,733, plus strand): 5'-TCCTCCCGCAGAAAAACGACTTAAAGGAGACGCGTGGCGCGATGGCGGCGGCCCCACGCG[C>G]GGGCCGGCGGCGCGGGCAGCCGCTCCTGGCGCTGCTGCTTCTGCTGCTGGCGCCACTGCC-3'
Protein context (NP_078932.2, residues 1-17): MAAAPR[Ala7Gly]GRRRGQPLLA

ClinVar aggregate classification (germline): Uncertain significance (1 of 4 stars; one submission).

Allele frequency attached by ClinVar (database versions not stated): TOPMed 0.00001.
gnomAD v4.1: 4 of 1,200,532 alleles (0.00033%); highest among the groups gnomAD compares: Non-Finnish European, 0.00041%; no homozygotes.

Submission:

Labcorp Genetics (formerly Invitae), Labcorp
Classification: Uncertain significance. Last evaluated: 2024-10-07. Review status: criteria provided, single submitter. Criteria: Invitae Variant Classification Sherloc (09022015). Collection method: clinical testing. Allele origin: germline.
Comment: This sequence change replaces alanine, which is neutral and non-polar, with glycine, which is neutral and non-polar, at codon 7 of the COLGALT1 protein (p.Ala7Gly). This variant is not present in population databases (gnomAD no frequency). This variant has not been reported in the literature in individuals affected with COLGALT1-related conditions. ClinVar contains an entry for this variant (Variation ID: 1993296). Experimental studies and prediction algorithms are not available or were not evaluated, and the functional significance of this variant is currently unknown. In summary, the available evidence is currently insufficient to determine the role of this variant in disease. Therefore, it has been classified as a Variant of Uncertain Significance.